The following is an entry in ClinVar:

NM_001042492.3(NF1):c.978del (p.Lys326fs)

Gene: NF1 (neurofibromin 1; plus strand). Cytogenetic location: 17q11.2.
Variant type: Deletion.
Coding change: c.978del on transcript NM_001042492.3 (MANE Select); coding-DNA position 978, one base deleted (A; older notation c.978delA).
Protein change: p.Lys326fs; shifts the reading frame from lysine 326.
Molecular consequence: frameshift variant.
Genome position (GRCh38, 1-based): chr17:31,200,511, A deleted; the last of 3 consecutive A bases (chr17:31,200,509-31,200,511); deleting any one gives the same sequence. VCF-style (leftmost placement, unchanged base first): chr17-31200508-CA-C. GRCh37 (hg19) VCF-style: chr17-29527526-CA-C.
Other names: c.978delA (NM_000267.3); c.978delA, p.Lys326Asnfs (NM_000267.4); c.978del, p.Lys326fs (NM_001128147.3); short protein forms K326fs.
Identifiers: ClinVar variation 4004796 (VCV004004796.1).

ClinVar aggregate classification (germline): Pathogenic (1 of 4 stars; one submission).

Conditions:
Cardiovascular phenotype. Identifiers: MedGen CN230736.
Hereditary cancer-predisposing syndrome. Also called: Tumor predisposition; Hereditary neoplastic syndrome; Neoplastic Syndromes, Hereditary; Hereditary Cancer Syndrome. Identifiers: Orphanet 140162, MedGen C0027672, MeSH D009386, MONDO:0015356.

Submission:

Ambry Genetics
Classification: Pathogenic for Cardiovascular phenotype; Hereditary cancer-predisposing syndrome. Last evaluated: 2025-04-17. Review status: criteria provided, single submitter. Criteria: Ambry Variant Classification Scheme 2023. Collection method: clinical testing. Allele origin: germline.
Comment: The c.978delA pathogenic mutation, located in coding exon 9 of the NF1 gene, results from a deletion of one nucleotide at nucleotide position 978, causing a translational frameshift with a predicted alternate stop codon (p.K326Nfs*50). This variant was reported in individual(s) with features consistent with neurofibromatosis type 1 (Griffiths S et al. Fam Cancer. 2007;6:21-34). This variant is considered to be rare based on population cohorts in the Genome Aggregation Database (gnomAD). In addition to the clinical data presented in the literature, this alteration is expected to result in loss of function by premature protein truncation or nonsense-mediated mRNA decay. As such, this alteration is interpreted as a disease-causing mutation.

Literature cited by the submitters: PubMed 16944272.